The following is an entry in ClinVar:

NM_001844.5(COL2A1):c.1763G>A (p.Gly588Glu)

Gene: COL2A1 (collagen type II alpha 1 chain; minus strand). Cytogenetic location: 12q13.11.
Variant type: single nucleotide variant.
Coding change: c.1763G>A on transcript NM_001844.5 (MANE Select); coding-DNA position 1763, G replaced by A.
Protein change: p.Gly588Glu; replaces glycine 588 with glutamic acid.
Molecular consequence: missense variant.
Genome position (GRCh38, 1-based): chr12:47,985,065, C>T on the plus strand (G>A on the coding strand, the complement: COL2A1 is on the minus strand). VCF-style: chr12-47985065-C-T. GRCh37 (hg19) VCF-style: chr12-48378848-C-T.
Other names: c.1556G>A, p.Gly519Glu (NM_033150.3); short protein forms G519E, G588E.
Identifiers: ClinVar variation 2093106 (VCV002093106.5), dbSNP rs2540144774, ClinGen allele CA384550716.

ClinVar aggregate classification (germline): Likely pathogenic. Review status: criteria provided, multiple submitters, no conflicts (2 of 4 stars). 2 submissions from 2 submitters: Likely pathogenic (2). Last evaluated 2026-01-22.

Conditions:
COL2A1-related disorder. Also called: COL2A1-related condition; COL2A1-related disorders.

Submissions (2):

3billion
Classification: Likely pathogenic for COL2A1-related disorder. Last evaluated: 2026-01-22. Review status: criteria provided, single submitter. Criteria: ACMG Guidelines, 2015. Collection method: clinical testing. Allele origin: germline. Affected: yes.
Comment: The variant is not observed in the gnomAD v4.1.0 dataset. Predicted Consequence/Location: The variant is located in a mutational hot spot and/or well-established functional domain in which established pathogenic variants have been reported (PMID: 26626311). In silico tool predictions suggest damaging effect of the variant on gene or gene product [REVEL: 0.98 (>=0.6, sensitivity 0.68 and specificity 0.92); 3Cnet: 0.99 (> 0.75, sensitivity 0.96 and precision 0.92)]. The same nucleotide change resulting in the same amino acid change has been previously reported to be associated with COL2A1-related disorder (ClinVar ID: VCV002093106 /PMID: 38702915).A different missense change at the same codon (p.Gly588Arg) has been reported as pathogenic/likely pathogenic with strong evidence (ClinVar ID: VCV003653133, VCV003661804). Therefore, this variant is classified as Likely pathogenic according to the recommendation of ACMG/AMP guideline.

Labcorp Genetics (formerly Invitae), Labcorp
Classification: Likely pathogenic. Last evaluated: 2022-06-09. Review status: criteria provided, single submitter. Criteria: Invitae Variant Classification Sherloc (09022015). Collection method: clinical testing. Allele origin: germline.
Comment: This variant is not present in population databases (gnomAD no frequency). This sequence change replaces glycine, which is neutral and non-polar, with glutamic acid, which is acidic and polar, at codon 588 of the COL2A1 protein (p.Gly588Glu). This variant has not been reported in the literature in individuals affected with COL2A1-related conditions. In summary, the currently available evidence indicates that the variant is pathogenic, but additional data are needed to prove that conclusively. Therefore, this variant has been classified as Likely Pathogenic. This variant disrupts the triple helix domain of COL2A1. Glycine residues within the Gly-Xaa-Yaa repeats of the triple helix domain are required for the structure and stability of fibrillar collagens (PMID: 7695699, 8218237, 19344236). In COL2A1, variants affecting these glycine residues are significantly enriched in individuals with disease (PMID: 9016532, 17078022) compared to the general population (ExAC). Advanced modeling of protein sequence and biophysical properties (such as structural, functional, and spatial information, amino acid conservation, physicochemical variation, residue mobility, and thermodynamic stability) performed at Invitae indicates that this missense variant is expected to disrupt COL2A1 protein function.

Literature cited by the submitters: PubMed 38702915 (cited by 3billion); PubMed 7695699 (cited by Labcorp Genetics (formerly Invitae), Labcorp); PubMed 8218237 (cited by Labcorp Genetics (formerly Invitae), Labcorp); PubMed 19344236 (cited by Labcorp Genetics (formerly Invitae), Labcorp); PubMed 9016532 (cited by Labcorp Genetics (formerly Invitae), Labcorp); PubMed 17078022 (cited by Labcorp Genetics (formerly Invitae), Labcorp).